The following is an entry in ClinVar:

NM_003072.5(SMARCA4):c.1396C>T (p.Arg466Cys)

Gene: SMARCA4 (SWI/SNF related BAF chromatin remodeling complex subunit ATPase 4; plus strand). Cytogenetic location: 19p13.2.
Variant type: single nucleotide variant.
Coding change: c.1396C>T on transcript NM_003072.5 (MANE Select); coding-DNA position 1396, C replaced by T.
Protein change: p.Arg466Cys; replaces arginine 466 with cysteine.
Molecular consequence: missense variant. On other transcripts: non-coding transcript variant (1).
Genome position (GRCh38, 1-based): chr19:10,991,300, C>T. VCF-style: chr19-10991300-C-T. GRCh37 (hg19) VCF-style: chr19-11101976-C-T.
Other names: c.1396C>T, p.Arg466Cys (NM_001128844.3, NM_001128845.2, NM_001128846.2 and 5 more transcripts); short protein forms R466C.
Identifiers: ClinVar variation 484985 (VCV000484985.9), dbSNP rs1555757709, ClinGen allele CA404061079.

ClinVar aggregate classification (germline): Uncertain significance. Review status: criteria provided, multiple submitters, no conflicts (2 of 4 stars). 2 submissions from 2 submitters: Uncertain significance (2). Last evaluated 2025-07-09.
ClinVar aggregate classification (somatic clinical impact): Tier II - Potential (1 of 4 stars; one submission).

Conditions:
Rhabdoid tumor predisposition syndrome 2 (RTPS2). Identifiers: Orphanet 231108, Orphanet 69077, MedGen C2750074, MONDO:0013224, OMIM 613325.
Hereditary cancer-predisposing syndrome. Also called: Neoplastic Syndromes, Hereditary; Tumor predisposition; Hereditary Cancer Syndrome; Hereditary neoplastic syndrome. Identifiers: Orphanet 140162, MedGen C0027672, MeSH D009386, MONDO:0015356.
Neuroblastoma (NB). Identifiers: Orphanet 635, MedGen C0027819, MeSH D009447, MONDO:0005072, HP:0003006.

Submissions (3):

Institute for Genomic Medicine (IGM) Clinical Laboratory, Nationwide Children's Hospital
Classification: Tier II - Potential for Neuroblastoma. Assertion type: diagnostic. Clinical significance: supports diagnosis. Last evaluated: 2025-10-09. Review status: criteria provided, single submitter. Criteria: AMP/ASCO/CAP Guidelines, 2017. Collection method: clinical testing. Allele origin: somatic. Affected: yes.
Comment: Variant has Tier II (potential) clinical significance as a diagnostic inclusion criterion in neuroblastoma, based on the following evidence: 1) Documented in one or more cancer databases (e.g., St. Jude Pecan, COSMIC, CIViC, OncoKB). 2) Assists in diagnosis alone or along with other biomarkers based on small studies or few case reports (Evidence Level D; PMIDs: 31018240, 33056981, 29992558, 36813544).

Ambry Genetics
Classification: Uncertain significance for Hereditary cancer-predisposing syndrome. Last evaluated: 2025-07-09. Review status: criteria provided, single submitter. Criteria: Ambry Variant Classification Scheme 2023. Collection method: clinical testing. Allele origin: germline.
Comment: The p.R466C variant (also known as c.1396C>T), located in coding exon 7 of the SMARCA4 gene, results from a C to T substitution at nucleotide position 1396. The arginine at codon 466 is replaced by cysteine, an amino acid with highly dissimilar properties. This amino acid position is highly conserved in available vertebrate species. In addition, this alteration is predicted to be tolerated by in silico analysis. Missense and in-frame variants in SMARCA4 are known to cause neurodevelopmental disorders; however, such associations with rhabdoid tumor predisposition syndrome including small cell carcinoma of the ovary-hypercalcemic type (SCCOHT) are exceedingly rare (Kosho T et al. Am J Med Genet C Semin Med Genet. 2014 Sep;166C(3):262-75; Jelinic P et al. Nat Genet. 2014 May;46(5):424-6). Based on the supporting evidence, the association of this alteration with Coffin-Siris syndrome is unknown; however, the association of this alteration with rhabdoid tumor predisposition syndrome is unlikely.

Labcorp Genetics (formerly Invitae), Labcorp
Classification: Uncertain significance for Rhabdoid tumor predisposition syndrome 2. Last evaluated: 2024-02-29. Review status: criteria provided, single submitter. Criteria: Invitae Variant Classification Sherloc (09022015). Collection method: clinical testing. Allele origin: germline.
Comment: This sequence change replaces arginine, which is basic and polar, with cysteine, which is neutral and slightly polar, at codon 466 of the SMARCA4 protein (p.Arg466Cys). This variant is not present in population databases (gnomAD no frequency). This variant has not been reported in the literature in individuals affected with SMARCA4-related conditions. ClinVar contains an entry for this variant (Variation ID: 484985). Advanced modeling of protein sequence and biophysical properties (such as structural, functional, and spatial information, amino acid conservation, physicochemical variation, residue mobility, and thermodynamic stability) has been performed at Invitae for this missense variant, however the output from this modeling did not meet the statistical confidence thresholds required to predict the impact of this variant on SMARCA4 protein function. In summary, the available evidence is currently insufficient to determine the role of this variant in disease. Therefore, it has been classified as a Variant of Uncertain Significance.

Literature cited by the submitters: PubMed 31018240 (cited by Institute for Genomic Medicine (IGM) Clinical Laboratory, Nationwide Children's Hospital); PubMed 33056981 (cited by Institute for Genomic Medicine (IGM) Clinical Laboratory, Nationwide Children's Hospital); PubMed 29992558 (cited by Institute for Genomic Medicine (IGM) Clinical Laboratory, Nationwide Children's Hospital); PubMed 36813544 (cited by Institute for Genomic Medicine (IGM) Clinical Laboratory, Nationwide Children's Hospital).